The following is an entry in ClinVar:

ClinVar aggregate classification (germline): Uncertain significance (1 of 4 stars; one submission).

gnomAD v4.1: 3 of 1,609,250 alleles (0.00019%); highest among the groups gnomAD compares: Non-Finnish European, 0.00025%; no homozygotes.

Submission:

Labcorp Genetics (formerly Invitae), Labcorp
Classification: Uncertain significance. Last evaluated: 2022-02-08. Review status: criteria provided, single submitter. Criteria: Invitae Variant Classification Sherloc (09022015). Collection method: clinical testing. Allele origin: germline.
Comment: This sequence change replaces glutamine, which is neutral and polar, with histidine, which is basic and polar, at codon 874 of the LRRK1 protein (p.Gln874His). This variant is not present in population databases (gnomAD no frequency). This variant has not been reported in the literature in individuals affected with LRRK1-related conditions. Algorithms developed to predict the effect of missense changes on protein structure and function are either unavailable or do not agree on the potential impact of this missense change (SIFT: "Deleterious"; PolyPhen-2: "Benign"; Align-GVGD: "Class C0"). In summary, the available evidence is currently insufficient to determine the role of this variant in disease. Therefore, it has been classified as a Variant of Uncertain Significance.

NM_024652.6(LRRK1):c.2622G>T (p.Gln874His)

Genes: LRRK1 (leucine rich repeat kinase 1; plus strand), LOC126862255 (CDK7 strongly-dependent group 2 enhancer GRCh37_chr15:101567313-101568512; plus strand). Cytogenetic location: 15q26.3.
Variant type: single nucleotide variant.
Coding change: c.2622G>T on transcript NM_024652.6 (MANE Select); coding-DNA position 2622, G replaced by T.
Protein change: p.Gln874His; replaces glutamine 874 with histidine.
Molecular consequence: missense variant.
Genome position (GRCh38, 1-based): chr15:101,027,733, G>T. VCF-style: chr15-101027733-G-T. GRCh37 (hg19) VCF-style: chr15-101567938-G-T.
Other names: short protein forms Q874H.
Identifiers: ClinVar variation 2095217 (VCV002095217.4), dbSNP rs1431646732, ClinGen allele CA393965938.